The following is an entry in ClinVar:

NM_001244008.2(KIF1A):c.3465+184A>G

Gene: KIF1A (kinesin family member 1A; minus strand). Cytogenetic location: 2q37.3.
Variant type: single nucleotide variant.
Coding change: c.3465+184A>G on transcript NM_001244008.2 (MANE Select); 184 bases into the intron after coding-DNA position 3465, A replaced by G.
Molecular consequence: intron variant.
Genome position (GRCh38, 1-based): chr2:240,745,243, T>C on the plus strand (A>G on the coding strand, the complement: KIF1A is on the minus strand). VCF-style: chr2-240745243-T-C. GRCh37 (hg19) VCF-style: chr2-241684660-T-C.
Other names: c.3162+184A>G (NM_001379653.1, NM_001379650.1, NM_001379641.1 and 5 more transcripts); c.3438+184A>G (NM_001379645.1, NM_001379633.1, NM_001379642.1); c.3264+184A>G (NM_001379635.1, NM_001330290.2, NM_001379646.1 and 1 more transcripts); c.3159+184A>G (NM_001379640.1); c.3414+184A>G (NM_001379632.1); c.3237+184A>G (NM_001379637.1, NM_001379648.1); c.3189+184A>G (NM_001320705.2, NM_001379638.1, NM_001330289.2); c.3540+184A>G (NM_001379631.1).
Identifiers: ClinVar variation 682843 (VCV000682843.2), dbSNP rs1529665, ClinGen allele CA11104863.
Genomic context (GRCh38, chr2:240,745,243, plus strand): 5'-CTATGCTCACTATGAGCAGCTCCCAGGGGCTCTGAGCGGCCCCCATGCCCCAGCTGTAAA[T>C]CCATCAAGGGTCTCCCACTGCCCAGAAATCGCTCCTACACCCTGCCTGGCACTGGAGTTC-3'

ClinVar aggregate classification (germline): Benign. Review status: criteria provided, multiple submitters, no conflicts (2 of 4 stars). 2 submissions from 2 submitters: Benign (2). Last evaluated 2018-06-14.

Allele frequency attached by ClinVar (database versions not stated): gnomAD 0.57162; TOPMed 0.57231; 1000 Genomes Project 30x 0.58948; 1000 Genomes Project 0.59165.
gnomAD v4.1: 86,679 of 151,810 alleles (57%); highest among the groups gnomAD compares: East Asian, 67%; 25,041 homozygotes.

Submissions (2):

GeneDx
Classification: Benign. Last evaluated: 2018-06-14. Review status: criteria provided, single submitter. Criteria: GeneDx Variant Classification (06012015). Collection method: clinical testing. Allele origin: germline. Affected: yes.
Comment: This variant is considered likely benign or benign based on one or more of the following criteria: it is a conservative change, it occurs at a poorly conserved position in the protein, it is predicted to be benign by multiple in silico algorithms, and/or has population frequency not consistent with disease.

Breakthrough Genomics
Classification: Benign. Review status: criteria provided, single submitter. Criteria: ACMG Guidelines, 2015. Collection method: not provided. Allele origin: germline. Inheritance: Autosomal recessive inheritance. Affected: yes.